The following is an entry in ClinVar:

ClinVar aggregate classification (germline): Likely benign (1 of 4 stars; one submission).

Conditions:
Amelogenesis imperfecta hypomaturation type 2A3. Also called: Amelogenesis imperfecta, type IIA3. Identifiers: Orphanet 88661, MedGen C2750771, MONDO:0013181, OMIM 613211. Disease mechanism: loss of function.

Allele frequency attached by ClinVar (database versions not stated): gnomAD 0.00002 and 0.00052; TOPMed 0.00018; 1000 Genomes Project 30x 0.00344; 1000 Genomes Project 0.00379.

Submission:

Illumina Laboratory Services, Illumina
Classification: Likely benign for Amelogenesis imperfecta hypomaturation type 2A3. Last evaluated: 2018-01-13. Review status: criteria provided, single submitter. Criteria: ICSL Variant Classification Criteria 13 December 2019. Collection method: clinical testing. Allele origin: germline.
Comment: This variant was observed in the ICSL laboratory as part of a predisposition screen in an ostensibly healthy population. It had not been previously curated by ICSL or reported in the Human Gene Mutation Database (HGMD: prior to June 1st, 2018), and was therefore a candidate for classification through an automated scoring system. Utilizing variant allele frequency, disease prevalence and penetrance estimates, and inheritance mode, an automated score was calculated to assess if this variant is too frequent to cause the disease. Based on the score and internal cut-off values, a variant classified as likely benign is not then subjected to further curation. The score for this variant resulted in a classification of likely benign for this disease.

NM_182758.4(WDR72):c.*3734A>G

Gene: WDR72 (WD repeat domain 72; minus strand). Cytogenetic location: 15q21.3.
Variant type: single nucleotide variant.
Coding change: c.*3734A>G on transcript NM_182758.4 (MANE Select); 3734 bases downstream of the stop codon, A replaced by G.
Molecular consequence: 3 prime UTR variant. On other transcripts: non-coding transcript variant (3).
Genome position (GRCh38, 1-based): chr15:53,513,965, T>C on the plus strand (A>G on the coding strand, the complement: WDR72 is on the minus strand). VCF-style: chr15-53513965-T-C. GRCh37 (hg19) VCF-style: chr15-53806162-T-C.
Other names: c.*3734A>G (NM_001277176.2).
Identifiers: ClinVar variation 316487 (VCV000316487.5), dbSNP rs371978233, ClinGen allele CA10642150.